The following is an entry in ClinVar:

ClinVar aggregate classification (germline): Likely benign (0 of 4 stars; one submission).

Conditions:
MST1R-related disorder. Also called: MST1R-related condition.

Allele frequency attached by ClinVar (database versions not stated): gnomAD exomes 0.00004; gnomAD 0.00005; ExAC 0.00006; TOPMed 0.00011; 1000 Genomes Project 30x 0.00016; 1000 Genomes Project 0.00020.
gnomAD v4.1: 70 of 1,614,130 alleles (0.0043%); highest among the groups gnomAD compares: Middle Eastern, 0.016%; no homozygotes.

Submission:

PreventionGenetics, part of Exact Sciences
Classification: Likely benign for MST1R-related condition. Last evaluated: 2019-05-08. Review status: no assertion criteria provided. Collection method: clinical testing. Allele origin: germline.
Comment: This variant is classified as likely benign based on ACMG/AMP sequence variant interpretation guidelines (Richards et al. 2015 PMID: 25741868, with internal and published modifications).

NM_002447.4(MST1R):c.2415C>T (p.Asp805=)

Gene: MST1R (macrophage stimulating 1 receptor; minus strand). Cytogenetic location: 3p21.31.
Variant type: single nucleotide variant.
Coding change: c.2415C>T on transcript NM_002447.4 (MANE Select); coding-DNA position 2415, C replaced by T.
Protein change: p.Asp805=; no amino-acid change (aspartic acid 805 retained).
Molecular consequence: synonymous variant. On other transcripts: non-coding transcript variant (1).
Genome position (GRCh38, 1-based): chr3:49,896,564, G>A on the plus strand (C>T on the coding strand, the complement: MST1R is on the minus strand). VCF-style: chr3-49896564-G-A. GRCh37 (hg19) VCF-style: chr3-49933997-G-A.
Other names: c.2415C>T, p.Asp805= (NM_001244937.3); c.2097C>T, p.Asp699= (NM_001318913.2).
Identifiers: ClinVar variation 3041767 (VCV003041767.2), dbSNP rs544189568, ClinGen allele CA2408923.